The following is an entry in ClinVar:

ClinVar aggregate classification (germline): Uncertain significance (1 of 4 stars; one submission).

Conditions:
Mendelian susceptibility to mycobacterial diseases due to complete IL12B deficiency. Also called: IL12B DEFICIENCY; Immunodeficiency 29. Identifiers: Orphanet 319558, MedGen C4013948, MONDO:0013954, OMIM 614890.

Submission:

Labcorp Genetics (formerly Invitae), Labcorp
Classification: Uncertain significance for Mendelian susceptibility to mycobacterial diseases due to complete IL12B deficiency. Last evaluated: 2018-03-28. Review status: criteria provided, single submitter. Criteria: Invitae Variant Classification Sherloc (09022015). Collection method: clinical testing. Allele origin: germline.
Comment: This variant has not been reported in the literature in individuals with IL12B-related disease. In summary, the available evidence is currently insufficient to determine the role of this variant in disease. Therefore, it has been classified as a Variant of Uncertain Significance. Experimental studies and prediction algorithms are not available for this variant, and the functional significance of the deleted amino acid is currently unknown. This variant is not present in population databases (ExAC no frequency). This variant, c.585_587delGGA, results in the deletion of 1 amino acid of the IL12B protein (p.Glu195del), but otherwise preserves the integrity of the reading frame.

NM_002187.3(IL12B):c.582GGA[1] (p.Glu195del)

Gene: IL12B (interleukin 12B; minus strand). Cytogenetic location: 5q33.3.
Variant type: Microsatellite.
Coding change: c.582GGA[1] on transcript NM_002187.3 (MANE Select); one copy of the 3-base unit GGA starting at c.582; the reference has two copies in a row; one copy, 3 bases deleted.
Protein change: p.Glu195del; deletes glutamic acid 195.
Molecular consequence: inframe deletion.
Genome position (GRCh38, 1-based): chr5:159,320,416-159,320,418, TCC deleted on the plus strand (GGA on the coding strand, the reverse complement: IL12B is on the minus strand); deleting any 3 consecutive bases within chr5:159,320,416-159,320,422 gives the same sequence; the position shown is the placement nearest the transcript's 3' end. VCF-style (leftmost placement, unchanged base first): chr5-159320415-GTCC-G. GRCh37 (hg19) VCF-style: chr5-158747423-GTCC-G.
Other names: c.585_587delGGA (NM_002187.2); short protein forms E195del.
Identifiers: ClinVar variation 581125 (VCV000581125.8), dbSNP rs1562112330, ClinGen allele CA891842622.